The following is an entry in ClinVar:

NM_003730.6(RNASET2):c.516T>C (p.Leu172=)

Gene: RNASET2 (ribonuclease T2; minus strand). Cytogenetic location: 6q27.
Variant type: single nucleotide variant.
Coding change: c.516T>C on transcript NM_003730.6 (MANE Select); coding-DNA position 516, T replaced by C.
Protein change: p.Leu172=; no amino-acid change (leucine 172 retained).
Molecular consequence: synonymous variant.
Genome position (GRCh38, 1-based): chr6:166,931,095, A>G on the plus strand (T>C on the coding strand, the complement: RNASET2 is on the minus strand). VCF-style: chr6-166931095-A-G. GRCh37 (hg19) VCF-style: chr6-167344583-A-G.
Identifiers: ClinVar variation 356032 (VCV000356032.15), dbSNP rs13213697, ClinGen allele CA4094873.

ClinVar aggregate classification (germline): Benign. Review status: criteria provided, multiple submitters, no conflicts (2 of 4 stars). 5 submissions from 5 submitters: Benign (4). 1 of the submissions does not count toward it. Last evaluated 2026-02-01.

Conditions:
Cystic leukoencephalopathy without megalencephaly. Identifiers: Orphanet 85136, MedGen C2751843, MONDO:0013058, OMIM 612951.

Allele frequency attached by ClinVar (database versions not stated): gnomAD exomes 0.16370 and 0.17487; ExAC 0.17309; 1000 Genomes Project 0.18450; 1000 Genomes Project 30x 0.18863; gnomAD 0.21386 and 0.22066; TOPMed 0.21728; ESP Exome Variant Server 0.23997.
gnomAD v4.1: 286,699 of 1,606,702 alleles (18%); highest among the groups gnomAD compares: African/African-American, 34%; 28,168 homozygotes.

Submissions (5):

Labcorp Genetics (formerly Invitae), Labcorp
Classification: Benign. Last evaluated: 2026-02-01. Review status: criteria provided, single submitter. Criteria: Invitae Variant Classification Sherloc (09022015). Collection method: clinical testing. Allele origin: germline.

Blueprint Genetics
Classification: Benign. Last evaluated: 2024-11-26. Review status: criteria provided, single submitter. Criteria: ACMG Guidelines, 2015. Collection method: clinical testing. Allele origin: germline.

Illumina Laboratory Services, Illumina
Classification: Benign for Cystic leukoencephalopathy without megalencephaly. Last evaluated: 2018-01-13. Review status: criteria provided, single submitter. Criteria: ICSL Variant Classification Criteria 13 December 2019. Collection method: clinical testing. Allele origin: germline.
Comment: This variant was observed in the ICSL laboratory as part of a predisposition screen in an ostensibly healthy population. It had not been previously curated by ICSL or reported in the Human Gene Mutation Database (HGMD: prior to June 1st, 2018), and was therefore a candidate for classification through an automated scoring system. Utilizing variant allele frequency, disease prevalence and penetrance estimates, and inheritance mode, an automated score was calculated to assess if this variant is too frequent to cause the disease. Based on the score and internal cut-off values, a variant classified as benign is not then subjected to further curation. The score for this variant resulted in a classification of benign for this disease.

Clinical Genetics DNA and cytogenetics Diagnostics Lab, Erasmus MC, Erasmus Medical Center
Classification: Benign for Cystic leukoencephalopathy without megalencephaly. Last evaluated: 2017-06-28. Review status: criteria provided, single submitter. Criteria: ACGS Guidelines, 2013. Collection method: clinical testing. Allele origin: germline. Affected: yes. Study: VKGL Data-share Consensus.

Diagnostic Laboratory, Department of Genetics, University Medical Center Groningen
Classification: Benign for Cystic leukoencephalopathy without megalencephaly. Review status: no assertion criteria provided. Collection method: clinical testing. Allele origin: germline. Affected: yes. Study: VKGL Data-share Consensus. Not counted in ClinVar's aggregate classification.